The following is an entry in ClinVar:

NM_001918.5(DBT):c.131C>G (p.Ser44Ter)

Gene: DBT (dihydrolipoamide branched chain transacylase E2; minus strand). Cytogenetic location: 1p21.2.
Variant type: single nucleotide variant.
Coding change: c.131C>G on transcript NM_001918.5 (MANE Select); coding-DNA position 131, C replaced by G.
Protein change: p.Ser44Ter; replaces serine 44 with a stop codon.
Molecular consequence: nonsense. On other transcripts: 5 prime UTR variant (2), non-coding transcript variant (4).
Genome position (GRCh38, 1-based): chr1:100,240,805, G>C on the plus strand (C>G on the coding strand, the complement: DBT is on the minus strand). VCF-style: chr1-100240805-G-C. GRCh37 (hg19) VCF-style: chr1-100706361-G-C.
Other names: c.-413C>G (NM_001399969.1, NM_001399972.1); short protein forms S44*.
Identifiers: ClinVar variation 1726587 (VCV001726587.2), dbSNP rs2524255388, ClinGen allele CA341346926.

ClinVar aggregate classification (germline): Likely pathogenic (1 of 4 stars; one submission).

Conditions:
Maple syrup urine disease (MSUD). Identifiers: Orphanet 511, MedGen C0024776, MeSH D008375, MONDO:0009563. Disease mechanism: loss of function.

Submission:

Myriad Genetics, Inc.
Classification: Likely pathogenic for Maple syrup urine disease type 1A. Last evaluated: 2021-12-27. Review status: criteria provided, single submitter. Criteria: Myriad Women's Health Autosomal Recessive and X-Linked Classification Criteria (2021). Collection method: clinical testing. Allele origin: unknown.
Comment: NM_001918.3(DBT):c.131C>G(S44*) is expected to be pathogenic in the context of maple syrup urine disease type II. This variant is predicted to lead to an abnormal or absent protein product due to the creation of a premature termination codon in DBT, a gene where loss-of-function variants are known to be pathogenic. Please note: this variant was assessed in the context of healthy population screening.